The following is an entry in ClinVar:

ClinVar aggregate classification (germline): Uncertain significance (1 of 4 stars; one submission).

gnomAD v4.1: 2 of 1,613,856 alleles (0.00012%); highest among the groups gnomAD compares: Admixed American, 0.0017%; no homozygotes.

Submission:

Labcorp Genetics (formerly Invitae), Labcorp
Classification: Uncertain significance. Last evaluated: 2022-09-27. Review status: criteria provided, single submitter. Criteria: Invitae Variant Classification Sherloc (09022015). Collection method: clinical testing. Allele origin: germline.
Comment: In summary, the available evidence is currently insufficient to determine the role of this variant in disease. Therefore, it has been classified as a Variant of Uncertain Significance. Algorithms developed to predict the effect of missense changes on protein structure and function (SIFT, PolyPhen-2, Align-GVGD) all suggest that this variant is likely to be disruptive. This variant has not been reported in the literature in individuals affected with CACNA2D4-related conditions. This variant is present in population databases (no rsID available, gnomAD 0.003%). This sequence change replaces alanine, which is neutral and non-polar, with aspartic acid, which is acidic and polar, at codon 490 of the CACNA2D4 protein (p.Ala490Asp).

NM_172364.5(CACNA2D4):c.1469C>A (p.Ala490Asp)

Gene: CACNA2D4 (calcium voltage-gated channel auxiliary subunit alpha2delta 4; minus strand). Cytogenetic location: 12p13.33.
Variant type: single nucleotide variant.
Coding change: c.1469C>A on transcript NM_172364.5 (MANE Select); coding-DNA position 1469, C replaced by A.
Protein change: p.Ala490Asp; replaces alanine 490 with aspartic acid.
Molecular consequence: missense variant.
Genome position (GRCh38, 1-based): chr12:1,882,883, G>T on the plus strand (C>A on the coding strand, the complement: CACNA2D4 is on the minus strand). VCF-style: chr12-1882883-G-T. GRCh37 (hg19) VCF-style: chr12-1992049-G-T.
Other names: short protein forms A490D.
Identifiers: ClinVar variation 1720514 (VCV001720514.5), dbSNP rs766705137, ClinGen allele CA383355985.
Genomic context (GRCh38, chr12:1,882,883, plus strand): 5'-CTCTGAGGTGGGCTTCTCGAGCTGGGAGCTGCTGCCAGGCTCACCTTGCTGTCCATGTAG[G>T]CCTCTGTCCAGATGATGTCGTGGTCGTGGTTGATGACCATGGGGCGGCTGAGCACGTGCA-3'
Protein context (NP_758952.4, residues 480-500): NHDHDIIWTE[Ala490Asp]YMDSKLLSSQ